The following is an entry in ClinVar:

NM_000540.3(RYR1):c.78C>T (p.Thr26=)

Gene: RYR1 (ryanodine receptor 1; plus strand). Cytogenetic location: 19q13.2.
Variant type: single nucleotide variant.
Coding change: c.78C>T on transcript NM_000540.3 (MANE Select); coding-DNA position 78, C replaced by T.
Protein change: p.Thr26=; no amino-acid change (threonine 26 retained).
Molecular consequence: synonymous variant.
Genome position (GRCh38, 1-based): chr19:38,440,777, C>T. VCF-style: chr19-38440777-C-T. GRCh37 (hg19) VCF-style: chr19-38931417-C-T.
Other names: c.78C>T, p.Thr26= (NM_001042723.2).
Identifiers: ClinVar variation 1563888 (VCV001563888.10), dbSNP rs372508199, ClinGen allele CA308106682.

ClinVar aggregate classification (germline): Likely benign. Review status: criteria provided, multiple submitters, no conflicts (2 of 4 stars). 4 submissions from 4 submitters: Likely benign (4). Last evaluated 2025-09-26.

Conditions:
Malignant hyperthermia, susceptibility to, 1 (MHS1). Also called: Malignant hyperthermia suceptibility 1; Anesthesia related hyperthermia; Malignant hyperpyrexia; Fulminating hyperpyrexia; Pharmacogenic myopathy; RYR1-Related Malignant Hyperthermia Susceptibility. Identifiers: Orphanet 423, MedGen C2930980, MONDO:0007783, OMIM 145600.
RYR1-related disorder. Also called: RYR1-related disorders; RYR1-related condition. Identifiers: MedGen CN239331.

Allele frequency attached by ClinVar (database versions not stated): TOPMed 0.00002; ESP Exome Variant Server 0.00008.
gnomAD v4.1: 16 of 1,608,920 alleles (0.00099%); highest among the groups gnomAD compares: South Asian, 0.0033%; no homozygotes.

Submissions (4):

Women's Health and Genetics/Laboratory Corporation of America, LabCorp
Classification: Likely benign. Last evaluated: 2025-09-26. Review status: criteria provided, single submitter. Criteria: LabCorp Variant Classification Summary - May 2015. Collection method: clinical testing. Allele origin: germline.

Labcorp Genetics (formerly Invitae), Labcorp
Classification: Likely benign for RYR1-related disorder. Last evaluated: 2024-02-13. Review status: criteria provided, single submitter. Criteria: Invitae Variant Classification Sherloc (09022015). Collection method: clinical testing. Allele origin: germline.

All of Us Research Program, National Institutes of Health
Classification: Likely benign for Malignant hyperthermia, susceptibility to, 1. Last evaluated: 2022-11-30. Review status: criteria provided, single submitter. Criteria: ACMG Guidelines, 2015. Collection method: clinical testing. Allele origin: germline. Inheritance: Autosomal dominant inheritance. Observed: 1 variant allele, 1 heterozygote.
Comment: This study involves interpretation of variants in research participants for the purpose of population health screening. Participant phenotype was not available at the time of variant classification. Additional details can be found in publication PMID: 35346344, PMCID: PMC8962531

Color Diagnostics, LLC DBA Color Health
Classification: Likely benign for Malignant hyperthermia, susceptibility to, 1. Last evaluated: 2022-09-16. Review status: criteria provided, single submitter. Criteria: ACMG Guidelines, 2015. Collection method: clinical testing. Allele origin: germline.